The following is an entry in ClinVar:

ClinVar aggregate classification (germline): Uncertain significance. Review status: criteria provided, multiple submitters, no conflicts (2 of 4 stars). 2 submissions from 2 submitters: Uncertain significance (2). Last evaluated 2026-08-25.

Conditions:
Hereditary cancer-predisposing syndrome. Also called: Hereditary Cancer Syndrome; Tumor predisposition; Neoplastic Syndromes, Hereditary; Hereditary neoplastic syndrome. Identifiers: Orphanet 140162, MedGen C0027672, MeSH D009386, MONDO:0015356.
Bloom syndrome (BLM). Also called: Bloom-Torre-Machacek syndrome. Identifiers: Orphanet 125, MedGen C0005859, MONDO:0008876, OMIM 210900.

Submissions (2):

Ambry Genetics
Classification: Uncertain significance for Hereditary cancer-predisposing syndrome. Last evaluated: 2026-08-25. Review status: criteria provided, single submitter. Criteria: Ambry Variant Classification Scheme 2023. Collection method: clinical testing. Allele origin: germline.
Comment: The p.E306G variant (also known as c.917A>G), located in coding exon 3 of the BLM gene, results from an A to G substitution at nucleotide position 917. The glutamic acid at codon 306 is replaced by glycine, an amino acid with similar properties. This amino acid position is conserved. In addition, this alteration is predicted to be tolerated by in silico analysis. Based on the available evidence, the clinical significance of this variant remains unclear.

Labcorp Genetics (formerly Invitae), Labcorp
Classification: Uncertain significance for Bloom syndrome. Last evaluated: 2021-03-18. Review status: criteria provided, single submitter. Criteria: Invitae Variant Classification Sherloc (09022015). Collection method: clinical testing. Allele origin: germline.
Comment: Algorithms developed to predict the effect of missense changes on protein structure and function are either unavailable or do not agree on the potential impact of this missense change (SIFT: "Tolerated"; PolyPhen-2: "Probably Damaging"; Align-GVGD: "Class C0"). In summary, the available evidence is currently insufficient to determine the role of this variant in disease. Therefore, it has been classified as a Variant of Uncertain Significance. This variant is not present in population databases (ExAC no frequency). This variant has not been reported in the literature in individuals with BLM-related conditions. This sequence change replaces glutamic acid with glycine at codon 306 of the BLM protein (p.Glu306Gly). The glutamic acid residue is moderately conserved and there is a moderate physicochemical difference between glutamic acid and glycine.

NM_000057.4(BLM):c.917A>G (p.Glu306Gly)

Gene: BLM (BLM RecQ like helicase; plus strand). Cytogenetic location: 15q26.1.
Variant type: single nucleotide variant.
Coding change: c.917A>G on transcript NM_000057.4 (MANE Select); coding-DNA position 917, A replaced by G.
Protein change: p.Glu306Gly; replaces glutamic acid 306 with glycine.
Molecular consequence: missense variant. On other transcripts: 5 prime UTR variant (1).
Genome position (GRCh38, 1-based): chr15:90,751,904, A>G. VCF-style: chr15-90751904-A-G. GRCh37 (hg19) VCF-style: chr15-91295134-A-G.
Other names: c.917A>G, p.Glu306Gly (NM_001287246.2, NM_001287247.2); c.-375A>G (NM_001287248.2); c.917A>G (NM_000057.2); short protein forms E306G.
Identifiers: ClinVar variation 1517461 (VCV001517461.9), dbSNP rs2151149738, ClinGen allele CA393841876.